The following is an entry in ClinVar:

NM_000512.5(GALNS):c.1482+37G>A

Genes: GALNS (galactosamine (N-acetyl)-6-sulfatase; minus strand), LOC126862447 (CDK7 strongly-dependent group 2 enhancer GRCh37_chr16:88884193-88885392; plus strand). Cytogenetic location: 16q24.3.
Variant type: single nucleotide variant.
Coding change: c.1482+37G>A on transcript NM_000512.5 (MANE Select); 37 bases into the intron after coding-DNA position 1482, G replaced by A.
Molecular consequence: intron variant.
Genome position (GRCh38, 1-based): chr16:88,817,970, C>T on the plus strand (G>A on the coding strand, the complement: GALNS is on the minus strand). VCF-style: chr16-88817970-C-T. GRCh37 (hg19) VCF-style: chr16-88884378-C-T.
Other names: c.927+37G>A (NM_001323543.2); c.1500+37G>A (NM_001323544.2).
Identifiers: ClinVar variation 1707280 (VCV001707280.2), dbSNP rs77513483, ClinGen allele CA8234648.

ClinVar aggregate classification (germline): Likely benign (1 of 4 stars; one submission).

Allele frequency attached by ClinVar (database versions not stated): gnomAD exomes 0.00110; ExAC 0.00540; ESP Exome Variant Server 0.01002; gnomAD 0.01048; TOPMed 0.01238; 1000 Genomes Project 0.01478; 1000 Genomes Project 30x 0.01483.
gnomAD v4.1: 3,184 of 1,518,644 alleles (0.21%); highest among the groups gnomAD compares: African/African-American, 3.6%; 41 homozygotes.

Submission:

GeneDx
Classification: Likely benign. Last evaluated: 2020-02-03. Review status: criteria provided, single submitter. Criteria: GeneDx Variant Classification Process June 2021. Collection method: clinical testing. Allele origin: germline. Affected: yes.
Comment: See Variant Classification Assertion Criteria.